The following is an entry in ClinVar:

NM_206933.4(USH2A):c.14153C>A (p.Ala4718Glu)

Gene: USH2A (usherin; minus strand). Cytogenetic location: 1q41.
Variant type: single nucleotide variant.
Coding change: c.14153C>A on transcript NM_206933.4 (MANE Select); coding-DNA position 14153, C replaced by A.
Protein change: p.Ala4718Glu; replaces alanine 4718 with glutamic acid.
Molecular consequence: missense variant.
Genome position (GRCh38, 1-based): chr1:215,650,782, G>T on the plus strand (C>A on the coding strand, the complement: USH2A is on the minus strand). VCF-style: chr1-215650782-G-T. GRCh37 (hg19) VCF-style: chr1-215824124-G-T.
Other names: short protein forms A4718E.
Identifiers: ClinVar variation 852059 (VCV000852059.8), dbSNP rs201631375, ClinGen allele CA37392648.

ClinVar aggregate classification (germline): Uncertain significance. Review status: criteria provided, multiple submitters, no conflicts (2 of 4 stars). 6 submissions from 5 submitters: Uncertain significance (5). 1 of the submissions does not count toward it. Last evaluated 2024-11-05.

Conditions:
Retinitis pigmentosa 39 (RP39). Identifiers: Orphanet 791, MedGen C3151138, MONDO:0013436, OMIM 613809.
Usher syndrome type 2A. Also called: RETINAL DISEASE IN USHER SYNDROME TYPE IIA, MODIFIER OF; USHER SYNDROME, TYPE IIA. Identifiers: Orphanet 231178, Orphanet 886, MedGen C1848634, MONDO:0010169, OMIM 276901.

Allele frequency attached by ClinVar (database versions not stated): gnomAD exomes below 0.00001; TOPMed below 0.00001; gnomAD 0.00001.
gnomAD v4.1: 7 of 1,610,872 alleles (0.00043%); highest among the groups gnomAD compares: Non-Finnish European, 0.00051%; no homozygotes.

Submissions (6):

Labcorp Genetics (formerly Invitae), Labcorp
Classification: Uncertain significance. Last evaluated: 2024-11-05. Review status: criteria provided, single submitter. Criteria: Invitae Variant Classification Sherloc (09022015). Collection method: clinical testing. Allele origin: germline.
Comment: This sequence change replaces alanine, which is neutral and non-polar, with glutamic acid, which is acidic and polar, at codon 4718 of the USH2A protein (p.Ala4718Glu). This variant is present in population databases (rs201631375, gnomAD 0.0009%). This variant has not been reported in the literature in individuals affected with USH2A-related conditions. ClinVar contains an entry for this variant (Variation ID: 852059). Invitae Evidence Modeling of protein sequence and biophysical properties (such as structural, functional, and spatial information, amino acid conservation, physicochemical variation, residue mobility, and thermodynamic stability) has been performed for this missense variant. However, the output from this modeling did not meet the statistical confidence thresholds required to predict the impact of this variant on USH2A protein function. In summary, the available evidence is currently insufficient to determine the role of this variant in disease. Therefore, it has been classified as a Variant of Uncertain Significance.

GeneDx
Classification: Uncertain significance. Last evaluated: 2024-09-26. Review status: criteria provided, single submitter. Criteria: GeneDx Variant Classification Process June 2021. Collection method: clinical testing. Allele origin: germline. Affected: yes.
Comment: Not observed at significant frequency in large population cohorts (gnomAD); In silico analysis supports that this missense variant has a deleterious effect on protein structure/function; Has not been previously published as pathogenic or benign to our knowledge

Genome-Nilou Lab
Classification: Uncertain significance for Retinitis pigmentosa 39. Last evaluated: 2023-11-04. Review status: criteria provided, single submitter. Criteria: ACMG Guidelines, 2015. Collection method: clinical testing. Allele origin: germline. Affected: no.

Genome-Nilou Lab
Classification: Uncertain significance for Usher syndrome type 2A. Last evaluated: 2023-11-04. Review status: criteria provided, single submitter. Criteria: ACMG Guidelines, 2015. Collection method: clinical testing. Allele origin: germline. Affected: no.

Fulgent Genetics
Classification: Uncertain significance for Usher syndrome type 2A; Retinitis pigmentosa 39. Last evaluated: 2021-07-20. Review status: criteria provided, single submitter. Criteria: ACMG Guidelines, 2015. Collection method: clinical testing. Allele origin: unknown.

Natera, Inc.
Classification: Uncertain significance for Usher syndrome type 2A. Last evaluated: 2020-09-16. Review status: no assertion criteria provided. Collection method: clinical testing. Allele origin: germline. Not counted in ClinVar's aggregate classification.